The following is an entry in ClinVar:

NM_003079.5(SMARCE1):c.1141G>A (p.Gly381Arg)

Gene: SMARCE1 (SWI/SNF related BAF chromatin remodeling complex subunit E1; minus strand). Cytogenetic location: 17q21.2.
Variant type: single nucleotide variant.
Coding change: c.1141G>A on transcript NM_003079.5 (MANE Select); coding-DNA position 1141, G replaced by A.
Protein change: p.Gly381Arg; replaces glycine 381 with arginine.
Molecular consequence: missense variant.
Genome position (GRCh38, 1-based): chr17:40,628,880, C>T on the plus strand (G>A on the coding strand, the complement: SMARCE1 is on the minus strand). VCF-style: chr17-40628880-C-T. GRCh37 (hg19) VCF-style: chr17-38785132-C-T.
Other names: short protein forms G381R.
Identifiers: ClinVar variation 3320850 (VCV003320850.1).
Genomic context (GRCh38, chr17:40,628,880, plus strand): 5'-TTGGTGGCTCCTCCACTGTTGCACTGTTGCTCTCCGAGCCAGTGTTACTATCACTGGTTC[C>T]TTCCTCTGCCATACTGTCGACCCCCTCCTGCCCACTCTCCTTGTCCTCAGGAGTAGACGT-3'
Protein context (NP_003070.3, residues 371-391): QEGVDSMAEE[Gly381Arg]TSDSNTGSES

ClinVar aggregate classification (germline): Uncertain significance (1 of 4 stars; one submission).

Conditions:
Hereditary cancer-predisposing syndrome. Also called: Neoplastic Syndromes, Hereditary; Tumor predisposition; Hereditary neoplastic syndrome; Hereditary Cancer Syndrome. Identifiers: Orphanet 140162, MedGen C0027672, MeSH D009386, MONDO:0015356.

gnomAD v4.1: 3 of 1,613,764 alleles (0.00019%); highest among the groups gnomAD compares: Non-Finnish European, 0.00025%; no homozygotes.

Submission:

Ambry Genetics
Classification: Uncertain significance for Hereditary cancer-predisposing syndrome. Last evaluated: 2024-04-15. Review status: criteria provided, single submitter. Criteria: Ambry Variant Classification Scheme 2023. Collection method: clinical testing. Allele origin: germline.
Comment: The p.G381R variant (also known as c.1141G>A), located in coding exon 10 of the SMARCE1 gene, results from a G to A substitution at nucleotide position 1141. The glycine at codon 381 is replaced by arginine, an amino acid with dissimilar properties. This amino acid position is highly conserved in available vertebrate species. In addition, the in silico prediction for this alteration is inconclusive. Based on the available evidence, the clinical significance of this variant remains unclear.